The following is an entry in ClinVar:

ClinVar aggregate classification (germline): Pathogenic. Review status: criteria provided, multiple submitters, no conflicts (2 of 4 stars). 3 submissions from 3 submitters: Pathogenic (2). 1 of the submissions does not count toward it. Last evaluated 2025-11-10.

Conditions:
Mucopolysaccharidosis, MPS-II (MPS2). Also called: IDS deficiency; Sulfoiduronate sulfatase deficiency; SIDS deficiency; Attenuated MPS (subtype; formerly known as mild MPS II); Severe MPS II; I2S deficiency. Identifiers: Orphanet 580, Orphanet 79388, MedGen C0026705, MONDO:0010674, OMIM 309900.

Submissions (3):

3billion
Classification: Pathogenic for Mucopolysaccharidosis, MPS-II. Last evaluated: 2025-11-10. Review status: criteria provided, single submitter. Criteria: ACMG Guidelines, 2015. Collection method: clinical testing. Allele origin: germline. Affected: yes.
Comment: The variant is not observed in the gnomAD v4.1.0 dataset. Predicted Consequence/Location: The variant is located in a mutational hot spot and/or well-established functional domain in which established pathogenic variants have been reported. In silico tool predictions suggest damaging effect of the variant on gene or gene product [REVEL: 0.98 (>=0.6, sensitivity 0.68 and specificity 0.92); 3Cnet: 0.99 (> 0.75, sensitivity 0.96 and precision 0.92)]. The same nucleotide change resulting in the same amino acid change has been previously reported as pathogenic/likely pathogenic with strong evidence (ClinVar ID: VCV000988672 /PMID: 33676511). Different missense changes at the same codon (p.Lys135Arg, p.Lys135Asn) have been reported as pathogenic/likely pathogenic with strong evidence (ClinVar ID: VCV000010494, VCV003255701 /PMID: 1303211, 7728156). Therefore, this variant is classified as Pathogenic according to the recommendation of ACMG/AMP guideline.

Laboratory of Diagnosis and Therapy of Lysosomal Disorders, University of Padova
Classification: Pathogenic for Mucopolysaccharidosis, MPS-II. Last evaluated: 2024-06-07. Review status: criteria provided, single submitter. Criteria: ACMG Guidelines, 2015. Collection method: literature only. Allele origin: germline. Affected: yes. Observed: 1 variant allele.
Comment: Located in a mutational hot spot and/or critical functional domain (PM1_Moderate), Absent from controls (or at low frequency) in gnomAD database (PM2_Moderate), Missense variant in a gene with a low rate of benign missense variation (PP2_Supporting), Multiple lines of computational evidence support a deleterious effect (PP3_Supporting), Patient’s phenotype or family history highly specific for the disease (PP4_Strong)

Classification method: ACMG Guidelines [PMID:25741868] with modifications

Laboratory of Inherited Metabolic Diseases, Research centre for medical genetics
Classification: Pathogenic for Mucopolysaccharidosis, type II; MPS2. Review status: no assertion criteria provided. Collection method: research. Allele origin: germline. Affected: yes. Not counted in ClinVar's aggregate classification.

Literature cited by the submitters: PubMed 1303211 (cited by 3billion); PubMed 33676511 (cited by 3billion and Laboratory of Diagnosis and Therapy of Lysosomal Disorders, University of Padova).

NM_000202.8(IDS):c.403A>G (p.Lys135Glu)

Gene: IDS (iduronate 2-sulfatase; minus strand). Cytogenetic location: Xq28.
Variant type: single nucleotide variant.
Coding change: c.403A>G on transcript NM_000202.8 (MANE Select); coding-DNA position 403, A replaced by G.
Protein change: p.Lys135Glu; replaces lysine 135 with glutamic acid.
Molecular consequence: missense variant. On other transcripts: non-coding transcript variant (1).
Genome position (GRCh38, 1-based): chrX:149,503,327, T>C on the plus strand (A>G on the coding strand, the complement: IDS is on the minus strand). VCF-style: chrX-149503327-T-C. GRCh37 (hg19) VCF-style: chrX-148584857-T-C.
Other names: c.133A>G, p.Lys45Glu (NM_001166550.4); c.403A>G, p.Lys135Glu (NM_006123.5); short protein forms K135E, K45E.
Identifiers: ClinVar variation 988672 (VCV000988672.4), dbSNP rs2089495673, ClinGen allele CA414525624.